The following is an entry in ClinVar:

NM_000051.4(ATM):c.7660del (p.His2554fs)

Genes: ATM (ATM serine/threonine kinase; plus strand), C11orf65 (chromosome 11 open reading frame 65; minus strand). Cytogenetic location: 11q22.3.
Variant type: Deletion.
Coding change: c.7660del on transcript NM_000051.4 (MANE Select); coding-DNA position 7660, one base deleted (C; older notation c.7660delC).
Protein change: p.His2554fs; shifts the reading frame from histidine 2554.
Molecular consequence: frameshift variant. On other transcripts: intron variant (2).
Genome position (GRCh38, 1-based): chr11:108,331,909, C deleted; the last of 5 consecutive C bases (chr11:108,331,905-108,331,909); deleting any one gives the same sequence. VCF-style (leftmost placement, unchanged base first): chr11-108331904-AC-A. GRCh37 (hg19) VCF-style: chr11-108202631-AC-A.
Other names: c.7660delC, p.His2554Ilefs (NM_000051.3); c.7660del, p.His2554fs (NM_001351834.2); c.641-22834del (NM_001330368.2); c.*38+3315del (NM_001351110.2); short protein forms H2554fs.
Identifiers: ClinVar variation 846903 (VCV000846903.11), dbSNP rs2086289400, ClinGen allele CA916080447.

ClinVar aggregate classification (germline): Pathogenic. Review status: criteria provided, multiple submitters, no conflicts (2 of 4 stars). 3 submissions from 3 submitters: Pathogenic (3). Last evaluated 2025-12-04.

Conditions:
Hereditary cancer-predisposing syndrome. Also called: Tumor predisposition; Neoplastic Syndromes, Hereditary; Hereditary Cancer Syndrome; Hereditary neoplastic syndrome. Identifiers: Orphanet 140162, MedGen C0027672, MeSH D009386, MONDO:0015356.
Familial cancer of breast. Also called: Hereditary breast cancer; BREAST CANCER, FAMILIAL; hereditary breast carcinoma. Identifiers: Orphanet 227535, MedGen C0346153, MONDO:0016419, OMIM 114480. Disease mechanism: loss of function.
Ataxia-telangiectasia syndrome (AT). Also called: ATAXIA-TELANGIECTASIA, COMPLEMENTATION GROUP A; ATAXIA-TELANGIECTASIA, FRESNO VARIANT; Ataxia-telangiectasia; Ataxia-telangiectasia, complementation group D; AT, COMPLEMENTATION GROUP C; Ataxia-telangiectasia, complementation group E. Identifiers: Orphanet 100, MedGen C0004135, MONDO:0008840, OMIM 208900.

Submissions (3):

Myriad Genetics, Inc.
Classification: Pathogenic for Familial cancer of breast. Last evaluated: 2025-12-04. Review status: criteria provided, single submitter. Criteria: Myriad Autosomal Dominant, Autosomal Recessive and X-Linked Classification Criteria (2023). Collection method: clinical testing. Allele origin: unknown.
Comment: This variant is considered pathogenic. This variant creates a frameshift predicted to result in premature protein truncation.

Ambry Genetics
Classification: Pathogenic for Hereditary cancer-predisposing syndrome. Last evaluated: 2025-09-10. Review status: criteria provided, single submitter. Criteria: Ambry Variant Classification Scheme 2023. Collection method: clinical testing. Allele origin: germline.
Comment: The c.7660delC pathogenic mutation, located in coding exon 51 of the ATM gene, results from a deletion of one nucleotide at nucleotide position 7660, causing a translational frameshift with a predicted alternate stop codon (p.H2554Ifs*10). This variant is considered to be rare based on population cohorts in the Genome Aggregation Database (gnomAD). This alteration is expected to result in loss of function by premature protein truncation or nonsense-mediated mRNA decay. Based on the supporting evidence, this variant is interpreted as a disease-causing mutation.

Labcorp Genetics (formerly Invitae), Labcorp
Classification: Pathogenic for Ataxia-telangiectasia syndrome. Last evaluated: 2022-09-02. Review status: criteria provided, single submitter. Criteria: Invitae Variant Classification Sherloc (09022015). Collection method: clinical testing. Allele origin: germline.
Comment: This variant has not been reported in the literature in individuals affected with ATM-related conditions. For these reasons, this variant has been classified as Pathogenic. ClinVar contains an entry for this variant (Variation ID: 846903). This variant is not present in population databases (gnomAD no frequency). This sequence change creates a premature translational stop signal (p.His2554Ilefs*10) in the ATM gene. It is expected to result in an absent or disrupted protein product. Loss-of-function variants in ATM are known to be pathogenic (PMID: 23807571, 25614872).

Literature cited by the submitters: PubMed 23807571 (cited by Labcorp Genetics (formerly Invitae), Labcorp); PubMed 25614872 (cited by Labcorp Genetics (formerly Invitae), Labcorp).